The following is an entry in ClinVar:

ClinVar aggregate classification (germline): Uncertain significance (1 of 4 stars; one submission).

Submission:

Labcorp Genetics (formerly Invitae), Labcorp
Classification: Uncertain significance. Last evaluated: 2021-12-19. Review status: criteria provided, single submitter. Criteria: Invitae Variant Classification Sherloc (09022015). Collection method: clinical testing. Allele origin: germline.
Comment: This sequence change replaces glutamic acid, which is acidic and polar, with lysine, which is basic and polar, at codon 140 of the LBR protein (p.Glu140Lys). This variant is not present in population databases (gnomAD no frequency). This variant has not been reported in the literature in individuals affected with LBR-related conditions. Advanced modeling of protein sequence and biophysical properties (such as structural, functional, and spatial information, amino acid conservation, physicochemical variation, residue mobility, and thermodynamic stability) performed at Invitae indicates that this missense variant is not expected to disrupt LBR protein function. In summary, the available evidence is currently insufficient to determine the role of this variant in disease. Therefore, it has been classified as a Variant of Uncertain Significance.

NM_002296.4(LBR):c.418G>A (p.Glu140Lys)

Gene: LBR (lamin B receptor; minus strand). Cytogenetic location: 1q42.12.
Variant type: single nucleotide variant.
Coding change: c.418G>A on transcript NM_002296.4 (MANE Select); coding-DNA position 418, G replaced by A.
Protein change: p.Glu140Lys; replaces glutamic acid 140 with lysine.
Molecular consequence: missense variant.
Genome position (GRCh38, 1-based): chr1:225,419,747, C>T on the plus strand (G>A on the coding strand, the complement: LBR is on the minus strand). VCF-style: chr1-225419747-C-T. GRCh37 (hg19) VCF-style: chr1-225607449-C-T.
Other names: c.418G>A, p.Glu140Lys (NM_194442.3); short protein forms E140K.
Identifiers: ClinVar variation 2048337 (VCV002048337.4), dbSNP rs2527824446, ClinGen allele CA345000516.